The following is an entry in ClinVar:

NM_001289104.2(PRKCSH):c.25C>G (p.Leu9Val)

Genes: PRKCSH (PRKCSH beta subunit of glucosidase II; plus strand), LOC130063575 (ATAC-STARR-seq lymphoblastoid active region 14018; plus strand). Cytogenetic location: 19p13.2.
Variant type: single nucleotide variant.
Coding change: c.25C>G on transcript NM_001289104.2 (MANE Select); coding-DNA position 25, C replaced by G.
Protein change: p.Leu9Val; replaces leucine 9 with valine.
Molecular consequence: missense variant.
Genome position (GRCh38, 1-based): chr19:11,436,142, C>G. VCF-style: chr19-11436142-C-G. GRCh37 (hg19) VCF-style: chr19-11546963-C-G.
Other names: c.25C>G, p.Leu9Val (NM_001001329.3, NM_001289102.2, NM_001289103.2 and 3 more transcripts); short protein forms L9V.
Identifiers: ClinVar variation 4689960 (VCV004689960.1).
Genomic context (GRCh38, chr19:11,436,142, plus strand): 5'-ACAGAACCCGTTTCGGGCCTCAGAGCGTCTGGTGAGATGCTGTTGCCGCTGCTGCTGCTG[C>G]TACCCATGTGCTGGGCCGTGGAGGTCAAGAGGCCCCGGGGCGTCTCCCTCACCAGTGAGT-3'
Protein context (NP_001276033.1, residues 1-19): MLLPLLLL[Leu9Val]PMCWAVEVKR

ClinVar aggregate classification (germline): Uncertain significance (1 of 4 stars; one submission).

gnomAD v4.1: 1 of 1,607,726 alleles (0.000062%); highest among the groups gnomAD compares: Non-Finnish European, 0.000085%; no homozygotes.

Submission:

GeneDx
Classification: Uncertain significance. Last evaluated: 2025-07-30. Review status: criteria provided, single submitter. Criteria: GeneDx Variant Classification Process June 2021. Collection method: clinical testing. Allele origin: germline. Affected: yes.
Comment: Not observed at significant frequency in large population cohorts (gnomAD); In silico analysis suggests that this missense variant does not alter protein structure/function; Has not been previously published as pathogenic or benign to our knowledge